The following is an entry in ClinVar:

NM_001792.5(CDH2):c.2090_2091delinsTC (p.Arg697Leu)

Gene: CDH2 (cadherin 2; minus strand). Cytogenetic location: 18q12.1.
Variant type: Indel.
Coding change: c.2090_2091delinsTC on transcript NM_001792.5 (MANE Select); coding-DNA positions 2090 to 2091, GT replaced by TC.
Protein change: p.Arg697Leu; replaces arginine 697 with leucine.
Molecular consequence: missense variant.
Genome position (GRCh38, 1-based): chr18:27,985,118-27,985,119, AC replaced by GA on the plus strand (GT replaced by TC on the coding strand, the reverse complement: CDH2 is on the minus strand). VCF-style: chr18-27985118-AC-GA. GRCh37 (hg19) VCF-style: chr18-25565082-AC-GA.
Other names: c.1997_1998delinsTC, p.Arg666Leu (NM_001308176.2); short protein forms R666L, R697L.
Identifiers: ClinVar variation 2419796 (VCV002419796.6), dbSNP rs2510792391, ClinGen allele CA2580095681.

ClinVar aggregate classification (germline): Uncertain significance (1 of 4 stars; one submission).

Submission:

Labcorp Genetics (formerly Invitae), Labcorp
Classification: Uncertain significance. Last evaluated: 2022-09-20. Review status: criteria provided, single submitter. Criteria: Invitae Variant Classification Sherloc (09022015). Collection method: clinical testing. Allele origin: germline.
Comment: In summary, the available evidence is currently insufficient to determine the role of this variant in disease. Therefore, it has been classified as a Variant of Uncertain Significance. Experimental studies and prediction algorithms are not available or were not evaluated, and the functional significance of this variant is currently unknown. This variant has not been reported in the literature in individuals affected with CDH2-related conditions. This variant is present in population databases (no rsID available, gnomAD 0.07%). This sequence change replaces arginine, which is basic and polar, with leucine, which is neutral and non-polar, at codon 697 of the CDH2 protein (p.Arg697Leu).